The following is an entry in ClinVar:

NM_004655.4(AXIN2):c.787T>G (p.Ser263Ala)

Gene: AXIN2 (axin 2; minus strand). Cytogenetic location: 17q24.1.
Variant type: single nucleotide variant.
Coding change: c.787T>G on transcript NM_004655.4 (MANE Select); coding-DNA position 787, T replaced by G.
Protein change: p.Ser263Ala; replaces serine 263 with alanine.
Molecular consequence: missense variant.
Genome position (GRCh38, 1-based): chr17:65,557,834, A>C on the plus strand (T>G on the coding strand, the complement: AXIN2 is on the minus strand). VCF-style: chr17-65557834-A-C. GRCh37 (hg19) VCF-style: chr17-63553952-A-C.
Other names: c.787T>G (LRG_296t1); c.787T>G, p.Ser263Ala (NM_001363813.1); short protein forms S263A.
Identifiers: ClinVar variation 656974 (VCV000656974.12), dbSNP rs1598118913, ClinGen allele CA400680263.

ClinVar aggregate classification (germline): Uncertain significance. Review status: criteria provided, multiple submitters, no conflicts (2 of 4 stars). 2 submissions from 2 submitters: Uncertain significance (2). Last evaluated 2024-09-08.

Conditions:
Hereditary cancer-predisposing syndrome. Also called: Hereditary neoplastic syndrome; Tumor predisposition; Neoplastic Syndromes, Hereditary; Hereditary Cancer Syndrome. Identifiers: Orphanet 140162, MedGen C0027672, MeSH D009386, MONDO:0015356.
Oligodontia-cancer predisposition syndrome. Also called: TOOTH AGENESIS-COLORECTAL CANCER SYNDROME. Identifiers: Orphanet 300576, MedGen C1837750, MONDO:0012075, OMIM 608615. Disease mechanism: loss of function.

Allele frequency attached by ClinVar (database versions not stated): TOPMed below 0.00001.

Submissions (2):

Ambry Genetics
Classification: Uncertain significance for Hereditary cancer-predisposing syndrome. Last evaluated: 2024-09-08. Review status: criteria provided, single submitter. Criteria: Ambry Variant Classification Scheme 2023. Collection method: clinical testing. Allele origin: germline.
Comment: The p.S263A variant (also known as c.787T>G), located in coding exon 1 of the AXIN2 gene, results from a T to G substitution at nucleotide position 787. The serine at codon 263 is replaced by alanine, an amino acid with similar properties. This amino acid position is not well conserved in available vertebrate species. In addition, this alteration is predicted to be tolerated by in silico analysis. Since supporting evidence is limited at this time, the clinical significance of this alteration remains unclear.

Labcorp Genetics (formerly Invitae), Labcorp
Classification: Uncertain significance for Oligodontia-cancer predisposition syndrome. Last evaluated: 2023-12-01. Review status: criteria provided, single submitter. Criteria: Invitae Variant Classification Sherloc (09022015). Collection method: clinical testing. Allele origin: germline.
Comment: This sequence change replaces serine, which is neutral and polar, with alanine, which is neutral and non-polar, at codon 263 of the AXIN2 protein (p.Ser263Ala). This variant is not present in population databases (gnomAD no frequency). This variant has not been reported in the literature in individuals affected with AXIN2-related conditions. ClinVar contains an entry for this variant (Variation ID: 656974). Advanced modeling of protein sequence and biophysical properties (such as structural, functional, and spatial information, amino acid conservation, physicochemical variation, residue mobility, and thermodynamic stability) performed at Invitae indicates that this missense variant is not expected to disrupt AXIN2 protein function with a negative predictive value of 80%. In summary, the available evidence is currently insufficient to determine the role of this variant in disease. Therefore, it has been classified as a Variant of Uncertain Significance.